The following is an entry in ClinVar:

NM_000548.5(TSC2):c.3883+6G>A

Gene: TSC2 (TSC complex subunit 2; plus strand). Cytogenetic location: 16p13.3.
Variant type: single nucleotide variant.
Coding change: c.3883+6G>A on transcript NM_000548.5 (MANE Select); 6 bases into the intron after coding-DNA position 3883, G replaced by A.
Molecular consequence: intron variant.
Genome position (GRCh38, 1-based): chr16:2,082,510, G>A. VCF-style: chr16-2082510-G-A. GRCh37 (hg19) VCF-style: chr16-2132511-G-A.
Other names: c.3814+712G>A (NM_001114382.3); c.3754+6G>A (NM_021055.3, NM_001370405.1); c.3685+712G>A (NM_001363528.2); c.3751+6G>A (NM_001370404.1); c.3682+712G>A (NM_001077183.3); c.3574+712G>A (NM_001318827.2); c.3151+6G>A (NM_001318831.2); c.3538+712G>A (NM_001318829.2); and 2 more.
Identifiers: ClinVar variation 406112 (VCV000406112.61), dbSNP rs757751865, ClinGen allele CA049088.

ClinVar aggregate classification (germline): Conflicting classifications of pathogenicity. Review status: criteria provided, conflicting classifications (1 of 4 stars). 10 submissions from 10 submitters: Uncertain significance (1); Benign (3); Likely benign (6). Last evaluated 2026-08-01.

Conditions:
Tuberous sclerosis syndrome (TSC). Also called: Tuberous Sclerosis Complex; Tuberous sclerosis. Identifiers: Orphanet 805, MedGen C0041341, MONDO:0001734.
Tuberous sclerosis 2 (TSC2). Identifiers: Orphanet 805, MedGen C1860707, MONDO:0013199, OMIM 613254.
TSC2-related disorder. Also called: TSC2-Related Disorders; TSC2-related condition.
Hereditary cancer-predisposing syndrome. Also called: Hereditary neoplastic syndrome; Neoplastic Syndromes, Hereditary; Hereditary Cancer Syndrome; Tumor predisposition. Identifiers: Orphanet 140162, MedGen C0027672, MeSH D009386, MONDO:0015356.

Allele frequency attached by ClinVar (database versions not stated): TOPMed 0.00003; gnomAD 0.00005 and 0.00006; gnomAD exomes 0.00006; ExAC 0.00010.
gnomAD v4.1: 117 of 1,610,732 alleles (0.0073%); highest among the groups gnomAD compares: Admixed American, 0.023%; no homozygotes.

Submissions (10):

CeGaT Center for Human Genetics Tuebingen
Classification: Likely benign. Last evaluated: 2026-08-01. Review status: criteria provided, single submitter. Criteria: CeGaT Center For Human Genetics Tuebingen Variant Classification Criteria Version 2. Collection method: clinical testing. Allele origin: germline. Affected: yes. Observed: 4 variant alleles.
Comment: TSC2: BP4, BS1

Labcorp Genetics (formerly Invitae), Labcorp
Classification: Benign for Tuberous sclerosis 2. Last evaluated: 2026-02-04. Review status: criteria provided, single submitter. Criteria: Invitae Variant Classification Sherloc (09022015). Collection method: clinical testing. Allele origin: germline.

PreventionGenetics, part of Exact Sciences
Classification: Likely benign for TSC2-related condition. Last evaluated: 2025-12-31. Review status: criteria provided, single submitter. Criteria: ACMG Guidelines, 2015. Collection method: clinical testing. Allele origin: germline.
Comment: This variant is classified as likely benign based on ACMG/AMP sequence variant interpretation guidelines (Richards et al. 2015 PMID: 25741868, with internal and published modifications).

Myriad Genetics, Inc.
Classification: Benign for Tuberous sclerosis 2. Last evaluated: 2025-05-30. Review status: criteria provided, single submitter. Criteria: Myriad Autosomal Dominant, Autosomal Recessive and X-Linked Classification Criteria (2023). Collection method: clinical testing. Allele origin: unknown.
Comment: This variant is considered benign. This variant is intronic and is not expected to impact mRNA splicing. This variant has been observed at a population frequency that is significantly greater than expected given the associated disease prevalence and penetrance. Homozygosity has been confirmed in one or more individuals. As homozygosity for pathogenic variants in this gene is generally assumed to result in embryonic lethality, this variant is unlikely to be pathogenic.

Blueprint Genetics
Classification: Uncertain significance. Last evaluated: 2024-10-09. Review status: criteria provided, single submitter. Criteria: ACMG Guidelines, 2015. Collection method: clinical testing. Allele origin: germline.

Quest Diagnostics Nichols Institute San Juan Capistrano
Classification: Likely benign. Last evaluated: 2024-06-05. Review status: criteria provided, single submitter. Criteria: Quest Diagnostics criteria. Collection method: clinical testing. Allele origin: unknown.
Comment: The frequency of this variant in the general population is higher than would generally be expected for pathogenic variants in this gene. This nucleotide position exhibits low evolutionary conservation.

Color Diagnostics, LLC DBA Color Health
Classification: Likely benign for Tuberous sclerosis syndrome. Last evaluated: 2024-05-08. Review status: criteria provided, single submitter. Criteria: ACMG Guidelines, 2015. Collection method: clinical testing. Allele origin: germline.

Genome-Nilou Lab
Classification: Benign for Tuberous sclerosis 2. Last evaluated: 2021-11-07. Review status: criteria provided, single submitter. Criteria: ACMG Guidelines, 2015. Collection method: clinical testing. Allele origin: germline. Affected: no.

Sema4
Classification: Likely benign for Hereditary cancer-predisposing syndrome. Last evaluated: 2021-09-16. Review status: criteria provided, single submitter. Criteria: Sema4 Curation Guidelines. Collection method: curation. Allele origin: germline.

GeneDx
Classification: Likely benign. Last evaluated: 2020-10-28. Review status: criteria provided, single submitter. Criteria: GeneDx Variant Classification Process June 2021. Collection method: clinical testing. Allele origin: germline. Affected: yes.